The following is an entry in ClinVar:

ClinVar aggregate classification (germline): Uncertain significance (1 of 4 stars; one submission).

Conditions:
DDB1-related disorder. Also called: DDB1-related condition.

Submission:

PreventionGenetics, part of Exact Sciences
Classification: Uncertain significance for DDB1-related condition. Last evaluated: 2025-07-29. Review status: criteria provided, single submitter. Criteria: ACMG Guidelines, 2015. Collection method: clinical testing. Allele origin: germline.
Comment: The DDB1 c.256G>A variant is predicted to result in the amino acid substitution p.Ala86Thr. To our knowledge, this variant has not been reported in the literature or in a large population database (gnomAD), indicating this variant is rare. At this time, the clinical significance of this variant is uncertain due to the absence of conclusive functional and genetic evidence.

NM_001923.5(DDB1):c.256G>A (p.Ala86Thr)

Gene: DDB1 (damage specific DNA binding protein 1; minus strand). Cytogenetic location: 11q12.2.
Variant type: single nucleotide variant.
Coding change: c.256G>A on transcript NM_001923.5 (MANE Select); coding-DNA position 256, G replaced by A.
Protein change: p.Ala86Thr; replaces alanine 86 with threonine.
Molecular consequence: missense variant.
Genome position (GRCh38, 1-based): chr11:61,330,029, C>T on the plus strand (G>A on the coding strand, the complement: DDB1 is on the minus strand). VCF-style: chr11-61330029-C-T. GRCh37 (hg19) VCF-style: chr11-61097501-C-T.
Other names: short protein forms A86T.
Identifiers: ClinVar variation 5002225 (VCV005002225.1).